The following is an entry in ClinVar:

ClinVar aggregate classification (germline): Uncertain significance (1 of 4 stars; one submission).

Conditions:
Inborn genetic diseases. Identifiers: MedGen C0950123, MeSH D030342.

Submission:

Ambry Genetics
Classification: Uncertain significance for Inborn genetic diseases. Last evaluated: 2025-07-05. Review status: criteria provided, single submitter. Criteria: Ambry Variant Classification Scheme 2023. Collection method: clinical testing. Allele origin: germline.
Comment: The p.A576T variant (also known as c.1726G>A), located in coding exon 13 of the FANCG gene, results from a G to A substitution at nucleotide position 1726. The alanine at codon 576 is replaced by threonine, an amino acid with similar properties. This amino acid position is conserved. In addition, this alteration is predicted to be tolerated by in silico analysis. Based on the available evidence, the clinical significance of this variant remains unclear.

NM_004629.2(FANCG):c.1726G>A (p.Ala576Thr)

Gene: FANCG (FA complementation group G; minus strand). Cytogenetic location: 9p13.3.
Variant type: single nucleotide variant.
Coding change: c.1726G>A on transcript NM_004629.2 (MANE Select); coding-DNA position 1726, G replaced by A.
Protein change: p.Ala576Thr; replaces alanine 576 with threonine.
Molecular consequence: missense variant.
Genome position (GRCh38, 1-based): chr9:35,074,405, C>T on the plus strand (G>A on the coding strand, the complement: FANCG is on the minus strand). VCF-style: chr9-35074405-C-T. GRCh37 (hg19) VCF-style: chr9-35074402-C-T.
Other names: short protein forms A576T.
Identifiers: ClinVar variation 4254437 (VCV004254437.1).